The following is an entry in ClinVar:

ClinVar aggregate classification (germline): Likely benign. Review status: criteria provided, multiple submitters, no conflicts (2 of 4 stars). 5 submissions from 5 submitters: Likely benign (5). Last evaluated 2025-07-27.

Conditions:
Cardiovascular phenotype. Identifiers: MedGen CN230736.
Cardiomyopathy (CMYO). Also called: Cardiomyopathies. Identifiers: Orphanet 167848, MedGen C0878544, MONDO:0004994, HP:0001638. Inheritance: Various modes of inheritance.
Hypertrophic cardiomyopathy. Also called: HYPERTROPHIC MYOCARDIOPATHY. Identifiers: Orphanet 217569, MedGen C0007194, MeSH D002312, MONDO:0005045, HP:0001639.

Allele frequency attached by ClinVar (database versions not stated): gnomAD exomes below 0.00001 and 0.00001; gnomAD 0.00001; TOPMed 0.00001.
gnomAD v4.1: 11 of 1,606,800 alleles (0.00068%); highest among the groups gnomAD compares: African/African-American, 0.0027%; no homozygotes.

Submissions (5):

Labcorp Genetics (formerly Invitae), Labcorp
Classification: Likely benign for Hypertrophic cardiomyopathy. Last evaluated: 2025-07-27. Review status: criteria provided, single submitter. Criteria: Invitae Variant Classification Sherloc (09022015). Collection method: clinical testing. Allele origin: germline.

All of Us Research Program, National Institutes of Health
Classification: Likely benign for Hypertrophic cardiomyopathy. Last evaluated: 2024-07-20. Review status: criteria provided, single submitter. Criteria: ACMG Guidelines, 2015. Collection method: clinical testing. Allele origin: germline. Inheritance: Autosomal dominant inheritance. Observed: 2 variant alleles, 2 heterozygotes.
Comment: This study involves interpretation of variants in research participants for the purpose of population health screening. Participant phenotype was not available at the time of variant classification. Additional details can be found in publication PMID: 35346344, PMCID: PMC8962531

Color Diagnostics, LLC DBA Color Health
Classification: Likely benign for Cardiomyopathy. Last evaluated: 2024-02-20. Review status: criteria provided, single submitter. Criteria: ACMG Guidelines, 2015. Collection method: clinical testing. Allele origin: germline.

Ambry Genetics
Classification: Likely benign for Cardiovascular phenotype. Last evaluated: 2021-12-07. Review status: criteria provided, single submitter. Criteria: Ambry Variant Classification Scheme 2023. Collection method: clinical testing. Allele origin: germline.

Molecular Diagnostic Laboratory for Inherited Cardiovascular Disease, Montreal Heart Institute
Classification: Likely benign. Last evaluated: 2020-01-24. Review status: criteria provided, single submitter. Criteria: ACMG Guidelines, 2015. Collection method: clinical testing. Allele origin: germline. Affected: yes.

NM_000256.3(MYBPC3):c.3453G>A (p.Ala1151=)

Gene: MYBPC3 (myosin binding protein C3; minus strand). Cytogenetic location: 11p11.2.
Variant type: single nucleotide variant.
Coding change: c.3453G>A on transcript NM_000256.3 (MANE Select); coding-DNA position 3453, G replaced by A.
Protein change: p.Ala1151=; no amino-acid change (alanine 1151 retained).
Molecular consequence: synonymous variant.
Genome position (GRCh38, 1-based): chr11:47,332,851, C>T on the plus strand (G>A on the coding strand, the complement: MYBPC3 is on the minus strand). VCF-style: chr11-47332851-C-T. GRCh37 (hg19) VCF-style: chr11-47354402-C-T.
Identifiers: ClinVar variation 978305 (VCV000978305.14), dbSNP rs993015599, ClinGen allele CA221682220.
Genomic context (GRCh38, chr11:47,332,851, plus strand): 5'-TTGGAAGAATGAGGGTACAGCACCTGGTCTGGGGATAAAGACGGGCTCCTTGGTGGTGGC[C>T]GCTCTGTCACTAAAGCCAACCATATTCTGGCTGAAGACGCGGAAGTAGTAGCCATTGCCA-3'
Protein context (NP_000247.2, residues 1141-1161): SQNMVGFSDR[Ala1151=]ATTKEPVFIP